The following is an entry in ClinVar:

ClinVar aggregate classification (germline): Uncertain significance (1 of 4 stars; one submission).

Submission:

GeneDx
Classification: Uncertain significance. Last evaluated: 2022-11-28. Review status: criteria provided, single submitter. Criteria: GeneDx Variant Classification Process June 2021. Collection method: clinical testing. Allele origin: germline. Affected: yes.
Comment: Not observed at significant frequency in large population cohorts (gnomAD); Frameshift variant predicted to result in protein truncation or nonsense mediated decay in a gene or region of a gene for which loss of function is not a well-established mechanism of disease; Has not been previously published as pathogenic or benign to our knowledge; Variants in candidate genes are classified as variants of uncertain significance in accordance with ACMG guidelines (Richards et al., 2015)

NM_144666.3(DNHD1):c.13388_13404dup (p.Pro4469fs)

Gene: DNHD1 (dynein heavy chain domain 1; plus strand). Cytogenetic location: 11p15.4.
Variant type: Duplication.
Coding change: c.13388_13404dup on transcript NM_144666.3 (MANE Select); coding-DNA positions 13388 to 13404, 17 bases duplicated (AAGACGAGTCCGACGCC).
Protein change: p.Pro4469fs; shifts the reading frame from proline 4469.
Molecular consequence: frameshift variant.
Genome position (GRCh38, 1-based): chr11:6,570,900-6,570,916, AAGACGAGTCCGACGCC duplicated; duplicating any 17 consecutive bases within chr11:6,570,896-6,570,916 gives the same sequence; the c. name uses the placement nearest the transcript's 3' end. VCF-style (leftmost placement, unchanged base first): chr11-6570895-T-TCGCCAAGACGAGTCCGA. GRCh37 (hg19) VCF-style: chr11-6592125-T-TCGCCAAGACGAGTCCGA.
Other names: short protein forms P4469fs.
Identifiers: ClinVar variation 3342712 (VCV003342712.1).
Genomic context (GRCh38, chr11:6,570,895, plus strand): 5'-ACGCCTAGTGCAAGTCAACCGGAGGCTGGAGTCACTGCAGGATCTGCTGACCCACGTGAT[T>TCGCCAAGACGAGTCCGA]CGCCAAGACGAGTCCGACGCCCCGTGGTCAGTGCTGGGGCCAAATGCACGGCGGCCTCTG-3'